The following is an entry in ClinVar:

ClinVar aggregate classification (germline): Likely pathogenic (1 of 4 stars; one submission).

Allele frequency attached by ClinVar (database versions not stated): gnomAD exomes 0.00001; TOPMed 0.00001; gnomAD 0.00001; ExAC 0.00003.
gnomAD v4.1: 16 of 1,608,752 alleles (0.00099%); highest among the groups gnomAD compares: South Asian, 0.0088%; no homozygotes.

Submission:

GeneDx
Classification: Likely pathogenic. Last evaluated: 2024-01-17. Review status: criteria provided, single submitter. Criteria: GeneDx Variant Classification Process June 2021. Collection method: clinical testing. Allele origin: germline.
Comment: Reported previously in a patient with childhood-onset demyelinating CMT who also harbored a second variant in the gene (phase unknown) (Machado et al., 2022); Reported previously as a pathogenic variant in a cohort of individuals referred for genetic testing for Charcot-Marie-Tooth disease; however, no clinical information was provided (PMID: 25614874); Nonsense variant predicted to result in protein truncation, as the last 233 amino acids are lost, and other loss-of-function variants have been reported downstream in HGMD; Not observed at significant frequency in large population cohorts (gnomAD); This variant is associated with the following publications: (PMID: 28641335, Machado2022[CaseReport], 25614874)

NM_181882.3(PRX):c.3685C>T (p.Arg1229Ter)

Gene: PRX (periaxin; minus strand). Cytogenetic location: 19q13.2.
Variant type: single nucleotide variant.
Coding change: c.3685C>T on transcript NM_181882.3 (MANE Select); coding-DNA position 3685, C replaced by T.
Protein change: p.Arg1229Ter; replaces arginine 1229 with a stop codon.
Molecular consequence: nonsense. On other transcripts: 3 prime UTR variant (1).
Genome position (GRCh38, 1-based): chr19:40,394,667, G>A on the plus strand (C>T on the coding strand, the complement: PRX is on the minus strand). VCF-style: chr19-40394667-G-A. GRCh37 (hg19) VCF-style: chr19-40900574-G-A.
Other names: c.3970C>T, p.Arg1324Ter (NM_001411127.1); c.*3890C>T (NM_020956.2); short protein forms R1229*, R1324*.
Identifiers: ClinVar variation 2499202 (VCV002499202.2), dbSNP rs749769987, ClinGen allele CA9443811.